The following is an entry in ClinVar:

NM_003072.5(SMARCA4):c.4801C>T (p.Arg1601Trp)

Gene: SMARCA4 (SWI/SNF related BAF chromatin remodeling complex subunit ATPase 4; plus strand). Cytogenetic location: 19p13.2.
Variant type: single nucleotide variant.
Coding change: c.4801C>T on transcript NM_003072.5 (MANE Select); coding-DNA position 4801, C replaced by T.
Protein change: p.Arg1601Trp; replaces arginine 1601 with tryptophan.
Molecular consequence: missense variant. On other transcripts: non-coding transcript variant (1).
Genome position (GRCh38, 1-based): chr19:11,060,077, C>T. VCF-style: chr19-11060077-C-T. GRCh37 (hg19) VCF-style: chr19-11170753-C-T.
Other names: c.4801C>T, p.Arg1601Trp (NM_001128844.3); c.4711C>T, p.Arg1571Trp (NM_001128845.2); c.4708C>T, p.Arg1570Trp (NM_001128846.2); c.4702C>T, p.Arg1568Trp (NM_001128847.4, NM_001374457.1); c.4699C>T, p.Arg1567Trp (NM_001128848.2); c.4897C>T, p.Arg1633Trp (NM_001128849.3, NM_001387283.1); short protein forms R1633W, R1568W, R1601W, R1571W, R1567W, R1570W.
Identifiers: ClinVar variation 408687 (VCV000408687.23), dbSNP rs766797299, ClinGen allele CA9204884.

ClinVar aggregate classification (germline): Uncertain significance. Review status: criteria provided, multiple submitters, no conflicts (2 of 4 stars). 7 submissions from 7 submitters: Uncertain significance (7). Last evaluated 2026-02-02.

Conditions:
SMARCA4-related disorder. Also called: SMARCA4-related condition.
Hereditary cancer-predisposing syndrome. Also called: Neoplastic Syndromes, Hereditary; Tumor predisposition; Hereditary Cancer Syndrome; Hereditary neoplastic syndrome. Identifiers: Orphanet 140162, MedGen C0027672, MeSH D009386, MONDO:0015356.
Intellectual disability, autosomal dominant 16 (CSS4). Also called: COFFIN-SIRIS SYNDROME 4. Identifiers: Orphanet 1465, MedGen C3553249, MONDO:0013821, OMIM 614609.
Rhabdoid tumor predisposition syndrome 2 (RTPS2). Identifiers: Orphanet 231108, Orphanet 69077, MedGen C2750074, MONDO:0013224, OMIM 613325.

Allele frequency attached by ClinVar (database versions not stated): gnomAD 0.00003 and 0.00004; ExAC 0.00005; TOPMed 0.00009.

Submissions (7):

Labcorp Genetics (formerly Invitae), Labcorp
Classification: Uncertain significance for Rhabdoid tumor predisposition syndrome 2. Last evaluated: 2026-02-02. Review status: criteria provided, single submitter. Criteria: Invitae Variant Classification Sherloc (09022015). Collection method: clinical testing. Allele origin: germline.
Comment: This sequence change replaces arginine, which is basic and polar, with tryptophan, which is neutral and slightly polar, at codon 1633 of the SMARCA4 protein (p.Arg1633Trp). The frequency data for this variant in the population databases is considered unreliable, as metrics indicate poor data quality at this position in the gnomAD database. This variant has not been reported in the literature in individuals affected with SMARCA4-related conditions. ClinVar contains an entry for this variant (Variation ID: 408687). Invitae Evidence Modeling of protein sequence and biophysical properties (such as structural, functional, and spatial information, amino acid conservation, physicochemical variation, residue mobility, and thermodynamic stability) has been performed for this missense variant. However, the output from this modeling did not meet the statistical confidence thresholds required to predict the impact of this variant on SMARCA4 protein function. In summary, the available evidence is currently insufficient to determine the role of this variant in disease. Therefore, it has been classified as a Variant of Uncertain Significance.

PreventionGenetics, part of Exact Sciences
Classification: Uncertain significance for SMARCA4-related condition. Last evaluated: 2024-12-31. Review status: criteria provided, single submitter. Criteria: ACMG Guidelines, 2015. Collection method: clinical testing. Allele origin: germline.
Comment: The SMARCA4 c.4897C>T variant is predicted to result in the amino acid substitution p.Arg1633Trp. To our knowledge, this variant has not been reported in the literature. This variant is reported in 0.0057% of alleles in individuals of African descent in gnomAD and is interpreted as a variant of uncertain significance in ClinVar. At this time, the clinical significance of this variant is uncertain due to the absence of conclusive functional and genetic evidence.

GeneDx
Classification: Uncertain significance. Last evaluated: 2024-11-02. Review status: criteria provided, single submitter. Criteria: GeneDx Variant Classification Process June 2021. Collection method: clinical testing. Allele origin: germline.
Comment: In silico analysis supports that this missense variant has a deleterious effect on protein structure/function; Has not been previously published as pathogenic or benign to our knowledge; This variant is associated with the following publications: (PMID: 34042280)

Ambry Genetics
Classification: Uncertain significance for Hereditary cancer-predisposing syndrome. Last evaluated: 2024-05-09. Review status: criteria provided, single submitter. Criteria: Ambry Variant Classification Scheme 2023. Collection method: clinical testing. Allele origin: germline.
Comment: The p.R1633W variant (also known as c.4897C>T), located in coding exon 34 of the SMARCA4 gene, results from a C to T substitution at nucleotide position 4897. The arginine at codon 1633 is replaced by tryptophan, an amino acid with dissimilar properties. This amino acid position is highly conserved in available vertebrate species. In addition, the in silico prediction for this alteration is inconclusive. Missense and in-frame variants in SMARCA4 are known to cause neurodevelopmental disorders; however, such associations with rhabdoid tumor predisposition syndrome including small cell carcinoma of the ovary-hypercalcemic type (SCCOHT) are exceedingly rare (Kosho T et al. Am J Med Genet C Semin Med Genet. 2014 Sep;166C(3):262-75; Jelinic P et al. Nat Genet. 2014 May;46(5):424-6). Based on the supporting evidence, the association of this alteration with Coffin-Siris syndrome is unknown; however, the association of this alteration with rhabdoid tumor predisposition syndrome is unlikely.

Baylor Genetics
Classification: Uncertain significance for Rhabdoid tumor predisposition syndrome 2. Last evaluated: 2024-01-22. Review status: criteria provided, single submitter. Criteria: ACMG Guidelines, 2015. Collection method: clinical testing. Allele origin: unknown.

Sema4
Classification: Uncertain significance for Hereditary cancer-predisposing syndrome. Last evaluated: 2021-07-27. Review status: criteria provided, single submitter. Criteria: Sema4 Curation Guidelines. Collection method: curation. Allele origin: germline.
Comment: To the best of our knowledge, the SMARCA4 c.4897C>T (p.R1633W) variant has not been reported in individuals with SMARCA4-related disease. It was observed in 3/190094 chromosomes in the large and broad cohorts of the Genome Aggregation Database (PMID: 32461654). The variant has been reported in ClinVar (Variation ID: 408687). Functional studies have not been performed and in silico predictions of the variant's effect on protein function are inconclusive. The evidence is insufficient to meet ACMG/AMP criteria for classifying the variant as benign or pathogenic. Thus, the clinical significance of this variant is currently uncertain.

Genome-Nilou Lab
Classification: Uncertain significance for Intellectual disability, autosomal dominant 16. Last evaluated: 2021-07-15. Review status: criteria provided, single submitter. Criteria: ACMG Guidelines, 2015. Collection method: clinical testing. Allele origin: germline. Affected: no.